The following is an entry in ClinVar:

NM_024675.4(PALB2):c.49-1del

Gene: PALB2 (partner and localizer of BRCA2; minus strand). Cytogenetic location: 16p12.2.
Variant type: Deletion.
Coding change: c.49-1del on transcript NM_024675.4 (MANE Select); the canonical splice acceptor site of the intron before coding-DNA position 49, one base deleted (G; older notation c.49-1delG).
Molecular consequence: splice acceptor variant. On other transcripts: intron variant (4).
Genome position (GRCh38, 1-based): chr16:23,638,130, C deleted on the plus strand (G on the coding strand, the reverse complement: PALB2 is on the minus strand). VCF-style (leftmost placement, unchanged base first): chr16-23638129-AC-A. GRCh37 (hg19) VCF-style: chr16-23649450-AC-A.
Other names: c.49-1del (NM_001407302.1, NM_001407298.1, NM_001407300.1 and 3 more transcripts); c.-837-1del (NM_001407307.1, NM_001407309.1, NM_001407311.1 and 5 more transcripts); c.48+2980del (NM_001407314.1); c.-105+2980del (NM_001407313.1, NM_001407312.1); c.49-178del (NM_001407296.1).
Identifiers: ClinVar variation 830084 (VCV000830084.19), dbSNP rs1967113484, ClinGen allele CA916081844.

ClinVar aggregate classification (germline): Pathogenic. Review status: no assertion criteria provided (0 of 4 stars). 2 submissions from 2 submitters: Pathogenic (2). Last evaluated 2021-07-01.

Conditions:
Gastric cancer. Also called: Stomach cancer; Malignant tumor of stomach. Identifiers: MedGen C0024623, MeSH D013274, MONDO:0001056, OMIM 613659, HP:0012126.

Submissions (2):

Laboratory for Genotyping Development, RIKEN
Classification: Pathogenic for Gastric cancer. Last evaluated: 2021-07-01. Review status: no assertion criteria provided. Collection method: research. Allele origin: germline.

Leiden Open Variation Database
Classification: Pathogenic. Last evaluated: 2018-08-25. Review status: no assertion criteria provided. Collection method: curation. Allele origin: germline. Affected: yes.
Comment: Curators: Marc Tischkowitz, Arleen D. Auerbach. Submitter to LOVD: Yukihide Momozawa.

Literature cited by the submitters: PubMed 36988593 (cited by Laboratory for Genotyping Development, RIKEN); PubMed 30287823 (cited by Leiden Open Variation Database).